The following is an entry in ClinVar:

ClinVar aggregate classification (germline): Uncertain significance. Review status: criteria provided, multiple submitters, no conflicts (2 of 4 stars). 4 submissions from 4 submitters: Uncertain significance (4). Last evaluated 2022-05-16.

Conditions:
Cardiovascular phenotype. Identifiers: MedGen CN230736.
Autosomal recessive limb-girdle muscular dystrophy type 2J (LGMDR10). Also called: MUSCULAR DYSTROPHY, LIMB-GIRDLE, AUTOSOMAL RECESSIVE 10; Limb-girdle muscular dystrophy, type 2J. Identifiers: Orphanet 140922, MedGen C1837342, MONDO:0012127, OMIM 608807.
Dilated cardiomyopathy 1G (CMD1G). Identifiers: Orphanet 154, MedGen C1858763, MONDO:0011400, OMIM 604145.
Hypertrophic cardiomyopathy 9. Also called: Familial hypertrophic cardiomyopathy 9. Identifiers: MedGen C1861065, MONDO:0013412, OMIM 613765.
Tibial muscular dystrophy (TMD). Also called: Udd Distal Myopathy – Tibial Muscular Dystrophy; Tibial muscular dystrophy, tardive; UDD MYOPATHY. Identifiers: Orphanet 609, MedGen C1838244, MONDO:0010870, OMIM 600334.
Early-onset myopathy with fatal cardiomyopathy (CMYO5). Also called: Salih Myopathy; CONGENITAL MYOPATHY 5 WITH CARDIOMYOPATHY. Identifiers: Orphanet 289377, MedGen C2673677, MONDO:0012714, OMIM 611705. Disease mechanism: loss of function.
Myopathy, myofibrillar, 9, with early respiratory failure (MFM9). Also called: MYOPATHY, PROXIMAL, WITH EARLY RESPIRATORY MUSCLE INVOLVEMENT; Myopathy, distal, with early respiratory failure, autosomal dominant; Hereditary myopathy with early respiratory failure; EDSTROM MYOPATHY. Identifiers: Orphanet 178464, Orphanet 34521, MedGen C1863599, MONDO:0011362, OMIM 603689.

Allele frequency attached by ClinVar (database versions not stated): gnomAD 0.00001 and 0.00002; TOPMed 0.00002; gnomAD exomes 0.00003 and 0.00005; ExAC 0.00004.
gnomAD v4.1: 53 of 1,613,520 alleles (0.0033%); highest among the groups gnomAD compares: South Asian, 0.044%; no homozygotes.

Submissions (4):

Revvity Omics, Revvity
Classification: Uncertain significance. Last evaluated: 2022-05-16. Review status: criteria provided, single submitter. Criteria: ACMG Guidelines, 2015. Collection method: clinical testing. Allele origin: germline.

Fulgent Genetics
Classification: Uncertain significance for Tibial muscular dystrophy; Myopathy, myofibrillar, 9, with early respiratory failure; Dilated cardiomyopathy 1G; Autosomal recessive limb-girdle muscular dystrophy type 2J; Early-onset myopathy with fatal cardiomyopathy; Hypertrophic cardiomyopathy 9. Last evaluated: 2021-07-21. Review status: criteria provided, single submitter. Criteria: ACMG Guidelines, 2015. Collection method: clinical testing. Allele origin: unknown.

Labcorp Genetics (formerly Invitae), Labcorp
Classification: Uncertain significance for Dilated cardiomyopathy 1G; Autosomal recessive limb-girdle muscular dystrophy type 2J. Last evaluated: 2017-10-10. Review status: criteria provided, single submitter. Criteria: Invitae Variant Classification Sherloc (09022015). Collection method: clinical testing. Allele origin: germline.

Ambry Genetics
Classification: Uncertain significance for Cardiovascular phenotype. Last evaluated: 2017-05-30. Review status: criteria provided, single submitter. Criteria: Ambry Variant Classification Scheme 2023. Collection method: clinical testing. Allele origin: germline.
Comment: The p.R20542Q variant (also known as c.61625G>A), located in coding exon 159 of the TTN gene, results from a G to A substitution at nucleotide position 61625. The arginine at codon 20542 is replaced by glutamine, an amino acid with highly similar properties. This amino acid position is highly conserved in available vertebrate species; however, glutamine is the reference amino acid in other vertebrate species. In addition, the in silico prediction for this alteration is inconclusive. Since supporting evidence is limited at this time, the clinical significance of this alteration remains unclear.

NM_001267550.2(TTN):c.88820G>A (p.Arg29607Gln)

Genes: TTN (titin; minus strand), TTN-AS1 (TTN antisense RNA 1; plus strand). Cytogenetic location: 2q31.2.
Variant type: single nucleotide variant.
Coding change: c.88820G>A on transcript NM_001267550.2 (MANE Select); coding-DNA position 88820, G replaced by A.
Protein change: p.Arg29607Gln; replaces arginine 29607 with glutamine.
Molecular consequence: missense variant.
Genome position (GRCh38, 1-based): chr2:178,554,527, C>T on the plus strand (G>A on the coding strand, the complement: TTN is on the minus strand). VCF-style: chr2-178554527-C-T. GRCh37 (hg19) VCF-style: chr2-179419254-C-T.
Other names: c.61625G>A, p.Arg20542Gln (NM_003319.4); c.81116G>A, p.Arg27039Gln (NM_133378.4); c.62000G>A, p.Arg20667Gln (NM_133432.3); c.62201G>A, p.Arg20734Gln (NM_133437.4); c.83897G>A, p.Arg27966Gln (NM_001256850.1); short protein forms R20542Q, R29607Q, R20667Q, R27966Q, R20734Q, R27039Q.
Identifiers: ClinVar variation 519169 (VCV000519169.11), dbSNP rs755212831, ClinGen allele CA1988070.